The following is an entry in ClinVar:

NM_001010867.4(IBA57):c.489G>A (p.Leu163=)

Gene: IBA57 (iron-sulfur cluster assembly factor IBA57; plus strand). Cytogenetic location: 1q42.13.
Variant type: single nucleotide variant.
Coding change: c.489G>A on transcript NM_001010867.4 (MANE Select); coding-DNA position 489, G replaced by A.
Protein change: p.Leu163=; no amino-acid change (leucine 163 retained).
Molecular consequence: synonymous variant. On other transcripts: 5 prime UTR variant (1).
Genome position (GRCh38, 1-based): chr1:228,174,839, G>A. VCF-style: chr1-228174839-G-A. GRCh37 (hg19) VCF-style: chr1-228362540-G-A.
Other names: c.-91G>A (NM_001310327.2).
Identifiers: ClinVar variation 3251089 (VCV003251089.18), dbSNP rs2527918747.

ClinVar aggregate classification (germline): Likely benign (1 of 4 stars; one submission).

gnomAD v4.1: 1 of 1,610,402 alleles (0.000062%); no homozygotes.

Submission:

CeGaT Center for Human Genetics Tuebingen
Classification: Likely benign. Last evaluated: 2024-06-01. Review status: criteria provided, single submitter. Criteria: CeGaT Center For Human Genetics Tuebingen Variant Classification Criteria Version 2. Collection method: clinical testing. Allele origin: germline. Affected: yes. Observed: 1 variant allele.
Comment: IBA57: PM2:Supporting, BP4, BP7